The following is an entry in ClinVar:

ClinVar aggregate classification (germline): Uncertain significance (1 of 4 stars; one submission).

gnomAD v4.1: 1 of 1,612,360 alleles (0.000062%); highest among the groups gnomAD compares: African/African-American, 0.0013%; no homozygotes.

Submission:

Labcorp Genetics (formerly Invitae), Labcorp
Classification: Uncertain significance. Last evaluated: 2022-11-22. Review status: criteria provided, single submitter. Criteria: Invitae Variant Classification Sherloc (09022015). Collection method: clinical testing. Allele origin: germline.
Comment: In summary, the available evidence is currently insufficient to determine the role of this variant in disease. Therefore, it has been classified as a Variant of Uncertain Significance. Algorithms developed to predict the effect of missense changes on protein structure and function are either unavailable or do not agree on the potential impact of this missense change (SIFT: "Tolerated"; PolyPhen-2: "Probably Damaging"; Align-GVGD: "Class C0"). ClinVar contains an entry for this variant (Variation ID: 1040878). This variant has not been reported in the literature in individuals affected with MPDZ-related conditions. This variant is not present in population databases (gnomAD no frequency). This sequence change replaces glycine, which is neutral and non-polar, with alanine, which is neutral and non-polar, at codon 1918 of the MPDZ protein (p.Gly1918Ala).

NM_001378778.1(MPDZ):c.5840G>C (p.Gly1947Ala)

Gene: MPDZ (multiple PDZ domain crumbs cell polarity complex component; minus strand). Cytogenetic location: 9p23.
Variant type: single nucleotide variant.
Coding change: c.5840G>C on transcript NM_001378778.1 (MANE Select); coding-DNA position 5840, G replaced by C.
Protein change: p.Gly1947Ala; replaces glycine 1947 with alanine.
Molecular consequence: missense variant.
Genome position (GRCh38, 1-based): chr9:13,110,054, C>G on the plus strand (G>C on the coding strand, the complement: MPDZ is on the minus strand). VCF-style: chr9-13110054-C-G. GRCh37 (hg19) VCF-style: chr9-13110053-C-G.
Other names: c.5741G>C, p.Gly1914Ala (NM_001261406.2, NM_001375416.1, NM_001375417.1 and 1 more transcripts); c.5654G>C, p.Gly1885Ala (NM_001261407.2, NM_001375419.1); c.5840G>C, p.Gly1947Ala (NM_001330637.2); c.5939G>C, p.Gly1980Ala (NM_001375413.1); c.5630G>C, p.Gly1877Ala (NM_001375420.1, NM_001375421.1, NM_001375422.1 and 2 more transcripts); c.5543G>C, p.Gly1848Ala (NM_001375425.1, NM_001375426.1); c.5432G>C, p.Gly1811Ala (NM_001375427.1); c.5753G>C, p.Gly1918Ala (NM_003829.5); short protein forms G1811A, G1877A, G1980A, G1918A, G1947A, G1848A, G1914A, G1885A.
Identifiers: ClinVar variation 1040878 (VCV001040878.8), dbSNP rs1942177012, ClinGen allele CA372940461.